The following is an entry in ClinVar:

NM_002582.4(PARN):c.1430A>G (p.Asp477Gly)

Gene: PARN (poly(A)-specific ribonuclease; minus strand). Cytogenetic location: 16p13.12.
Variant type: single nucleotide variant.
Coding change: c.1430A>G on transcript NM_002582.4 (MANE Select); coding-DNA position 1430, A replaced by G.
Protein change: p.Asp477Gly; replaces aspartic acid 477 with glycine.
Molecular consequence: missense variant.
Genome position (GRCh38, 1-based): chr16:14,552,071, T>C on the plus strand (A>G on the coding strand, the complement: PARN is on the minus strand). VCF-style: chr16-14552071-T-C. GRCh37 (hg19) VCF-style: chr16-14645928-T-C.
Other names: c.1247A>G, p.Asp416Gly (NM_001134477.3); c.1292A>G, p.Asp431Gly (NM_001242992.2); short protein forms D431G, D477G, D416G.
Identifiers: ClinVar variation 3208662 (VCV003208662.3), dbSNP rs750925651, ClinGen allele CA7912019.
Genomic context (GRCh38, chr16:14,552,071, plus strand): 5'-AAACACTTACCAATCTTTACTTGCTCGGGCTGGCTAAGGGAAACAAATGCTGATGTGTCA[T>C]CAATCCAGGATATCTGAATGTTACCTGCAATCGCAAATTAAAAGTAAAGTGAACATTTGA-3'
Protein context (NP_002573.1, residues 467-487): AFGNIQISWI[Asp477Gly]DTSAFVSLSQ

ClinVar aggregate classification (germline): Uncertain significance. Review status: criteria provided, multiple submitters, no conflicts (2 of 4 stars). 2 submissions from 2 submitters: Uncertain significance (2). Last evaluated 2025-04-22.

Conditions:
Inborn genetic diseases. Identifiers: MedGen C0950123, MeSH D030342.
Pulmonary fibrosis and/or bone marrow failure, Telomere-related, 4. Also called: PULMONARY FIBROSIS AND/OR BONE MARROW FAILURE SYNDROME, TELOMERE-RELATED, 4. Identifiers: Orphanet 2032, MedGen C4225347, MONDO:0014612, OMIM 616371.
Dyskeratosis congenita, autosomal recessive 6 (DKCB6). Identifiers: MedGen C4225356, MONDO:0014600, OMIM 616353.

Allele frequency attached by ClinVar (database versions not stated): TOPMed 0.00002; ExAC 0.00003; gnomAD 0.00001.
gnomAD v4.1: 8 of 1,611,486 alleles (0.0005%); highest among the groups gnomAD compares: African/African-American, 0.0013%; no homozygotes.

Submissions (2):

Labcorp Genetics (formerly Invitae), Labcorp
Classification: Uncertain significance for Dyskeratosis congenita, autosomal recessive 6; Pulmonary fibrosis and/or bone marrow failure, Telomere-related, 4. Last evaluated: 2025-04-22. Review status: criteria provided, single submitter. Criteria: Invitae Variant Classification Sherloc (09022015). Collection method: clinical testing. Allele origin: germline.
Comment: This sequence change replaces aspartic acid, which is acidic and polar, with glycine, which is neutral and non-polar, at codon 477 of the PARN protein (p.Asp477Gly). This variant is present in population databases (rs750925651, gnomAD 0.004%). This variant has not been reported in the literature in individuals affected with PARN-related conditions. ClinVar contains an entry for this variant (Variation ID: 3208662). Invitae Evidence Modeling of protein sequence and biophysical properties (such as structural, functional, and spatial information, amino acid conservation, physicochemical variation, residue mobility, and thermodynamic stability) indicates that this missense variant is not expected to disrupt PARN protein function with a negative predictive value of 80%. In summary, the available evidence is currently insufficient to determine the role of this variant in disease. Therefore, it has been classified as a Variant of Uncertain Significance.

Ambry Genetics
Classification: Uncertain significance for Inborn genetic diseases. Last evaluated: 2024-03-01. Review status: criteria provided, single submitter. Criteria: Ambry Variant Classification Scheme 2023. Collection method: clinical testing. Allele origin: germline.